The following is an entry in ClinVar:

NM_006019.4(TCIRG1):c.1387G>A (p.Glu463Lys)

Gene: TCIRG1 (T cell immune regulator 1, ATPase H+ transporting V0 subunit a3; plus strand). Cytogenetic location: 11q13.2.
Variant type: single nucleotide variant.
Coding change: c.1387G>A on transcript NM_006019.4 (MANE Select); coding-DNA position 1387, G replaced by A.
Protein change: p.Glu463Lys; replaces glutamic acid 463 with lysine.
Molecular consequence: missense variant.
Genome position (GRCh38, 1-based): chr11:68,047,728, G>A. VCF-style: chr11-68047728-G-A. GRCh37 (hg19) VCF-style: chr11-67815195-G-A.
Other names: c.493G>A, p.Glu165Lys (NM_001351059.2); c.739G>A, p.Glu247Lys (NM_006053.4); short protein forms E463K, E247K, E165K.
Identifiers: ClinVar variation 2057298 (VCV002057298.1), dbSNP rs774578979, ClinGen allele CA6147092.
Genomic context (GRCh38, chr11:68,047,728, plus strand): 5'-GGCCGCTACCTGCTCCTGCTTATGGGCCTGTTCTCCATCTACACCGGCTTCATCTACAAC[G>A]AGTGCTTCAGTCGCGCCACCAGCATCTTCCCCTCGGGCTGGAGTGTGGCCGCCATGGCCA-3'
Protein context (NP_006010.2, residues 453-473): FSIYTGFIYN[Glu463Lys]CFSRATSIFP

ClinVar aggregate classification (germline): Uncertain significance (1 of 4 stars; one submission).

Allele frequency attached by ClinVar (database versions not stated): gnomAD 0.00003.
gnomAD v4.1: 30 of 1,613,148 alleles (0.0019%); highest among the groups gnomAD compares: African/African-American, 0.0067%; no homozygotes.

Submission:

Labcorp Genetics (formerly Invitae), Labcorp
Classification: Uncertain significance. Last evaluated: 2022-05-18. Review status: criteria provided, single submitter. Criteria: Invitae Variant Classification Sherloc (09022015). Collection method: clinical testing. Allele origin: germline.
Comment: This sequence change replaces glutamic acid, which is acidic and polar, with lysine, which is basic and polar, at codon 463 of the TCIRG1 protein (p.Glu463Lys). This variant is present in population databases (rs774578979, gnomAD 0.004%). This variant has not been reported in the literature in individuals affected with TCIRG1-related conditions. Algorithms developed to predict the effect of missense changes on protein structure and function are either unavailable or do not agree on the potential impact of this missense change (SIFT: "Deleterious"; PolyPhen-2: "Probably Damaging"; Align-GVGD: "Class C0"). In summary, the available evidence is currently insufficient to determine the role of this variant in disease. Therefore, it has been classified as a Variant of Uncertain Significance.